The following is an entry in ClinVar:

NM_002480.3(PPP1R12A):c.2701T>C (p.Tyr901His)

Gene: PPP1R12A (protein phosphatase 1 regulatory subunit 12A; minus strand). Cytogenetic location: 12q21.2.
Variant type: single nucleotide variant.
Coding change: c.2701T>C on transcript NM_002480.3 (MANE Select); coding-DNA position 2701, T replaced by C.
Protein change: p.Tyr901His; replaces tyrosine 901 with histidine.
Molecular consequence: missense variant.
Genome position (GRCh38, 1-based): chr12:79,788,749, A>G on the plus strand (T>C on the coding strand, the complement: PPP1R12A is on the minus strand). VCF-style: chr12-79788749-A-G. GRCh37 (hg19) VCF-style: chr12-80182529-A-G.
Other names: c.2701T>C, p.Tyr901His (NM_001143885.2, NM_001244990.2); c.2440T>C, p.Tyr814His (NM_001143886.2); c.2533T>C, p.Tyr845His (NM_001244992.1); short protein forms Y814H, Y845H, Y901H.
Identifiers: ClinVar variation 3351020 (VCV003351020.2).

ClinVar aggregate classification (germline): Uncertain significance. Review status: criteria provided, single submitter (1 of 4 stars). 2 submissions from 2 submitters: Uncertain significance (1). 1 of the submissions does not count toward it. Last evaluated 2025-05-13.

Conditions:
PPP1R12A-related disorder. Also called: PPP1R12A-related condition.
Inborn genetic diseases. Identifiers: MedGen C0950123, MeSH D030342.

gnomAD v4.1: 62 of 1,612,092 alleles (0.0038%); highest among the groups gnomAD compares: South Asian, 0.065%; 1 homozygote.

Submissions (2):

Ambry Genetics
Classification: Uncertain significance for Inborn genetic diseases. Last evaluated: 2025-05-13. Review status: criteria provided, single submitter. Criteria: Ambry Variant Classification Scheme 2023. Collection method: clinical testing. Allele origin: germline.

PreventionGenetics, part of Exact Sciences
Classification: Likely benign for PPP1R12A-related condition. Last evaluated: 2024-08-12. Review status: no assertion criteria provided. Collection method: clinical testing. Allele origin: germline. Not counted in ClinVar's aggregate classification.
Comment: This variant is classified as likely benign based on ACMG/AMP sequence variant interpretation guidelines (Richards et al. 2015 PMID: 25741868, with internal and published modifications).